The following continues an entry in ClinVar:

NM_032043.3(BRIP1):c.790C>T (p.Arg264Trp)

Gene: BRIP1. ClinVar aggregate classification (germline): Conflicting classifications of pathogenicity. Uncertain significance (4); Benign (1); Likely benign (15).

Submissions 23 to 26 of 26:

Counsyl
Classification: Likely benign for Ovarian cancer. Last evaluated: 2016-07-18. Review status: no assertion criteria provided. Collection method: clinical testing. Allele origin: unknown. Not counted in ClinVar's aggregate classification.

ITMI
No classification provided. Condition: AllHighlyPenetrant. Last evaluated: 2013-09-19. Review status: no classification provided. Collection method: reference population. Allele origin: germline. Not counted in ClinVar's aggregate classification.
Comment: Please see associated publication for description of ethnicities

Center of Medical Genetics and Primary Health Care
Classification: Benign for Breast Cancer. Review status: no assertion criteria provided. Collection method: clinical testing. Allele origin: germline. Affected: yes. Not counted in ClinVar's aggregate classification.

Department of Pathology and Laboratory Medicine, Sinai Health System
Classification: Likely benign for Malignant tumor of breast. Review status: no assertion criteria provided. Collection method: clinical testing. Allele origin: unknown. Affected: yes. Study: The Canadian Open Genetics Repository (COGR). Not counted in ClinVar's aggregate classification.
Comment: The BRIP1 p.Arg264Trp variant was identified in 55 of 46810 proband chromosomes (frequency: 0.001) from Italian, American, British and Colombian individuals or families with a wide spectrum of cancers (in population based studies, unselected for family history): BRCA1/2 negative, male/female breast cancer, prostate cancer, ovarian cancer, Lynch syndrome associated cancer and/or polyps, CRC, pancreatic cancer, hereditary prostate cancer and Fanconi anemia; and was present in 44 of 29724 control chromosomes (frequency: 0.001) from healthy individuals (Silvestri_2011_21165771, Bodian_2014_24728327, Hu_2016_26483394, Yurgelun_2015_25980754, Tung_20016_26976419, Seal_2006_17033622, Easton_2016_26921362, Levitus_2005_16116423, Pearlman_2016_27978560, Ramus_2015_26315354, Cock-Rada_2017_28528518, Ray_2009_19935797). In one prostate cancer family, the variant was identified in two out of three cases and was not present in the unaffected brother of the proband (Ray_2009_19935797). The variant was identified in dbSNP (ID: rs28997569) â€šÃ„ÃºWith Likely benign alleleâ€šÃ„Ã¹, ClinVar (classified likely benign by Invitae, Ambry Genetics, Genetic Services Laboratory (University of Washington), Counsyl, Color Genomics Inc, Quest Diagnostics Nichols Institute San Juan Capistrano, and GeneDx, and classification not provided by ITMI), Clinvitae (5x) and Zhejiang Colon Cancer Database, and was not identified in Cosmic or MutDB. The variant was also identified in control databases in 229 of 276746 chromosomes at a frequency of 0.0008 increasing the likelihood this could be a low frequency benign variant (Genome Aggregation Database Feb 27, 2017). It was observed in the following populations: African in 17 of 24030 chromosomes (freq: 0.0007), â€šÃ„ÃºOtherâ€šÃ„Ã¹ in 11 of 6452 chromosomes (freq: 0.002), Latino in 15 of 34408 chromosomes (freq: 0.0004), European Non-Finnish in 145 of 126288 chromosomes (freq: 0.001), Ashkenazi Jewish in 28 of 10142 chromosomes (freq: 0.003), European Finnish in 7 of 25786 chromosomes (freq: 0.0003), and South Asian in 6 of 30782 chromosomes (freq: 0.0002); it was not observed in the East Asian population. The p.Arg264 residue is conserved in mammals but not in more distantly related organisms, and four out of five computational analyses (PolyPhen-2, SIFT, AlignGVGD, BLOSUM, MutationTaster) suggest that the Trp variant may impact the protein; however, this information is not predictive enough to assume pathogenicity. The variant occurs outside of the splicing consensus sequence and in silico or computational prediction software programs (SpliceSiteFinder, MaxEntScan, NNSPLICE, GeneSplicer, HumanSpliceFinder) do not predict a difference in splicing. In summary, based on the above information the clinical significance of this variant cannot be determined with certainty at this time although we would lean towards a more benign role for this variant. This variant is classified as likely benign.

Literature cited by the submitters: PubMed 26976419 (cited by Center for Genomic Medicine, Rigshospitalet, Copenhagen University Hospital and Quest Diagnostics Nichols Institute San Juan Capistrano); PubMed 17033622 (cited by 3 submitters); PubMed 21165771 (cited by Center for Genomic Medicine, Rigshospitalet, Copenhagen University Hospital and Quest Diagnostics Nichols Institute San Juan Capistrano); PubMed 27978560 (cited by Quest Diagnostics Nichols Institute San Juan Capistrano); PubMed 28135145 (cited by Quest Diagnostics Nichols Institute San Juan Capistrano); PubMed 28528518 (cited by Quest Diagnostics Nichols Institute San Juan Capistrano); PubMed 24728327 (cited by 3 submitters); PubMed 19935797 (cited by Quest Diagnostics Nichols Institute San Juan Capistrano and Counsyl); PubMed 16116423 (cited by Quest Diagnostics Nichols Institute San Juan Capistrano and Counsyl); PubMed 25980754 (cited by Quest Diagnostics Nichols Institute San Juan Capistrano); PubMed 24584348 (cited by Quest Diagnostics Nichols Institute San Juan Capistrano); PubMed 26921362 (cited by Quest Diagnostics Nichols Institute San Juan Capistrano and Counsyl); PubMed 26483394 (cited by Quest Diagnostics Nichols Institute San Juan Capistrano); PubMed 26709662 (cited by Quest Diagnostics Nichols Institute San Juan Capistrano); PubMed 26315354 (cited by Quest Diagnostics Nichols Institute San Juan Capistrano and Counsyl); PubMed 23555315 (cited by Counsyl); PubMed 25186627 (cited by Counsyl).